The following is an entry in ClinVar:

NM_007294.4(BRCA1):c.5407-3C>T

Gene: BRCA1 (BRCA1 DNA repair associated; minus strand). Cytogenetic location: 17q21.31.
Variant type: single nucleotide variant.
Coding change: c.5407-3C>T on transcript NM_007294.4 (MANE Select); 3 bases into the intron before coding-DNA position 5407, C replaced by T.
Molecular consequence: intron variant.
Genome position (GRCh38, 1-based): chr17:43,047,706, G>A on the plus strand (C>T on the coding strand, the complement: BRCA1 is on the minus strand). VCF-style: chr17-43047706-G-A. GRCh37 (hg19) VCF-style: chr17-41199723-G-A.
Other names: c.1954-3C>T (NM_001408458.1, NM_001408461.1, NM_001408464.1 and 7 more transcripts); c.4516-3C>T (NM_001407967.1); c.5026-3C>T (NM_001407959.1); c.5140-3C>T (NM_001407931.1, NM_001407932.1, NM_001407928.1 and 4 more transcripts); c.5263-3C>T (NM_001407747.1, NM_001407745.1, NM_001407737.1 and 18 more transcripts); c.5023-3C>T (NM_001407962.1, NM_001407960.1); c.1594-3C>T (NM_001408512.1); c.1717-3C>T (NM_001408510.1); and 83 more.
Identifiers: ClinVar variation 865743 (VCV000865743.3), dbSNP rs2050996293, ClinGen allele CA916080774.

Conditions:
Breast-ovarian cancer, familial, susceptibility to, 1 (BROVCA1). Also called: BRCA1 Hereditary Breast and Ovarian Cancer; OVARIAN CANCER, SUSCEPTIBILITY TO. Identifiers: Orphanet 145, MedGen C2676676, MONDO:0011450, OMIM 604370. Disease mechanism: loss of function.

Submission:

Brotman Baty Institute, University of Washington
No classification provided (evidence only). Condition: Breast-ovarian cancer, familial 1. Review status: no classification provided. Collection method: in vitro. Allele origin: not applicable. Functional consequence: functionally_normal.
ClinVar note: "not provided" was previously submitted as the classification for the variant. However, the classification appeared to be based only on an observation of functional data so it was converted to no classification on 2025-07-30.